The following is an entry in ClinVar:

ClinVar aggregate classification (germline): Uncertain significance (1 of 4 stars; one submission).

Submission:

Athena Diagnostics
Classification: Uncertain significance. Last evaluated: 2024-12-20. Review status: criteria provided, single submitter. Criteria: Athena Diagnostics Criteria. Collection method: clinical testing. Allele origin: unknown.
Comment: Available data are insufficient to determine the clinical significance of the variant at this time. This variant has not been reported in large, multi-ethnic general populations. This variant is expected to result in the loss of a functional protein. However, it is not known if such variants in this gene are associated with disease.

NM_000371.4(TTR):c.122_135del (p.Arg41fs)

Gene: TTR (transthyretin; plus strand). Cytogenetic location: 18q12.1.
Variant type: Deletion.
Coding change: c.122_135del on transcript NM_000371.4 (MANE Select); coding-DNA positions 122 to 135, 14 bases deleted (GAGGCAGTCCTGCC).
Protein change: p.Arg41fs; shifts the reading frame from arginine 41.
Molecular consequence: frameshift variant.
Genome position (GRCh38, 1-based): chr18:31,592,948-31,592,961, GAGGCAGTCCTGCC deleted; deleting any 14 consecutive bases within chr18:31,592,946-31,592,961 gives the same sequence; the c. name uses the placement nearest the transcript's 3' end. VCF-style (leftmost placement, unchanged base first): chr18-31592945-TCCGAGGCAGTCCTG-T. GRCh37 (hg19) VCF-style: chr18-29172908-TCCGAGGCAGTCCTG-T.
Other names: c.122_135delGAGGCAGTCCTGCC, p.Arg41Hisfs (NM_000371.3); short protein forms R41fs.
Identifiers: ClinVar variation 4682358 (VCV004682358.1).
Genomic context (GRCh38, chr18:31,592,945, plus strand): 5'-TCTACACCCAGGGCACCGGTGAATCCAAGTGTCCTCTGATGGTCAAAGTTCTAGATGCTG[TCCGAGGCAGTCCTG>T]CCATCAATGTGGCCGTGCATGTGTTCAGAAAGGCTGCTGATGACACCTGGGAGCCATTTG-3'